The following is an entry in ClinVar:

NM_015073.3(SIPA1L3):c.128A>C (p.Asn43Thr)

Gene: SIPA1L3 (signal induced proliferation associated 1 like 3; plus strand). Cytogenetic location: 19q13.13.
Variant type: single nucleotide variant.
Coding change: c.128A>C on transcript NM_015073.3 (MANE Select); coding-DNA position 128, A replaced by C.
Protein change: p.Asn43Thr; replaces asparagine 43 with threonine.
Molecular consequence: missense variant.
Genome position (GRCh38, 1-based): chr19:38,081,693, A>C. VCF-style: chr19-38081693-A-C. GRCh37 (hg19) VCF-style: chr19-38572333-A-C.
Other names: short protein forms N43T.
Identifiers: ClinVar variation 2776241 (VCV002776241.3), dbSNP rs771652567, ClinGen allele CA405594707.

ClinVar aggregate classification (germline): Uncertain significance (1 of 4 stars; one submission).

gnomAD v4.1: 4 of 1,611,660 alleles (0.00025%); highest among the groups gnomAD compares: Non-Finnish European, 0.00034%; no homozygotes.

Submission:

Labcorp Genetics (formerly Invitae), Labcorp
Classification: Uncertain significance. Last evaluated: 2024-12-02. Review status: criteria provided, single submitter. Criteria: Invitae Variant Classification Sherloc (09022015). Collection method: clinical testing. Allele origin: germline.
Comment: This sequence change replaces asparagine, which is neutral and polar, with threonine, which is neutral and polar, at codon 43 of the SIPA1L3 protein (p.Asn43Thr). This variant is not present in population databases (gnomAD no frequency). This variant has not been reported in the literature in individuals affected with SIPA1L3-related conditions. ClinVar contains an entry for this variant (Variation ID: 2776241). An algorithm developed to predict the effect of missense changes on protein structure and function (PolyPhen-2) suggests that this variant is likely to be disruptive. In summary, the available evidence is currently insufficient to determine the role of this variant in disease. Therefore, it has been classified as a Variant of Uncertain Significance.